The following is an entry in ClinVar:

NM_001330700.2(TOP2B):c.3129C>A (p.Phe1043Leu)

Gene: TOP2B (DNA topoisomerase II beta; minus strand). Cytogenetic location: 3p24.2.
Variant type: single nucleotide variant.
Coding change: c.3129C>A on transcript NM_001330700.2 (MANE Select); coding-DNA position 3129, C replaced by A.
Protein change: p.Phe1043Leu; replaces phenylalanine 1043 with leucine.
Molecular consequence: missense variant.
Genome position (GRCh38, 1-based): chr3:25,618,784, G>T on the plus strand (C>A on the coding strand, the complement: TOP2B is on the minus strand). VCF-style: chr3-25618784-G-T. GRCh37 (hg19) VCF-style: chr3-25660275-G-T.
Other names: c.3114C>A, p.Phe1038Leu (NM_001068.3); short protein forms F1038L, F1043L.
Identifiers: ClinVar variation 3372678 (VCV003372678.1).

ClinVar aggregate classification (germline): Uncertain significance (1 of 4 stars; one submission).

Submission:

GeneDx
Classification: Uncertain significance. Last evaluated: 2024-04-16. Review status: criteria provided, single submitter. Criteria: GeneDx Variant Classification Process June 2021. Collection method: clinical testing. Allele origin: germline. Affected: yes.
Comment: Not observed at significant frequency in large population cohorts (gnomAD); In silico analysis supports that this missense variant has a deleterious effect on protein structure/function; Has not been previously published as pathogenic or benign to our knowledge